The following is an entry in ClinVar:

ClinVar aggregate classification (germline): Likely pathogenic (0 of 4 stars; one submission).

Conditions:
PCNT-related disorder. Also called: PCNT-related condition.

gnomAD v4.1: 1 of 1,614,020 alleles (0.000062%); highest among the groups gnomAD compares: Admixed American, 0.0017%; no homozygotes.

Submission:

PreventionGenetics, part of Exact Sciences
Classification: Likely pathogenic for PCNT-related condition. Last evaluated: 2024-05-16. Review status: no assertion criteria provided. Collection method: clinical testing. Allele origin: germline.
Comment: The PCNT c.9274-2A>C variant is predicted to disrupt the AG splice acceptor site and interfere with normal splicing. To our knowledge, this variant has not been reported in the literature. This variant is reported in 0.0029% of alleles in individuals of Latino descent in gnomAD. Variants that disrupt the consensus splice acceptor site in PCNT are expected to be pathogenic. This variant is interpreted as likely pathogenic.

NM_006031.6(PCNT):c.9274-2A>C

Gene: PCNT (pericentrin; plus strand). Cytogenetic location: 21q22.3.
Variant type: single nucleotide variant.
Coding change: c.9274-2A>C on transcript NM_006031.6 (MANE Select); the canonical splice acceptor site of the intron before coding-DNA position 9274, A replaced by C.
Molecular consequence: splice acceptor variant.
Genome position (GRCh38, 1-based): chr21:46,440,081, A>C. VCF-style: chr21-46440081-A-C. GRCh37 (hg19) VCF-style: chr21-47859994-A-C.
Other names: c.8683-2A>C (NM_001315529.2).
Identifiers: ClinVar variation 3344778 (VCV003344778.1).